The following is an entry in ClinVar:

ClinVar aggregate classification (germline): Uncertain significance (1 of 4 stars; one submission).

Conditions:
Diamond-Blackfan anemia 8 (DBA8). Also called: RPS7-Related Diamond-Blackfan Anemia. Identifiers: Orphanet 124, MedGen C2675511, MONDO:0012939, OMIM 612563.

Allele frequency attached by ClinVar (database versions not stated): gnomAD exomes below 0.00001 and 0.00001.
gnomAD v4.1: 16 of 1,613,902 alleles (0.00099%); highest among the groups gnomAD compares: Non-Finnish European, 0.0014%; no homozygotes.

Submission:

Labcorp Genetics (formerly Invitae), Labcorp
Classification: Uncertain significance for Diamond-Blackfan anemia 8. Last evaluated: 2021-02-17. Review status: criteria provided, single submitter. Criteria: Invitae Variant Classification Sherloc (09022015). Collection method: clinical testing. Allele origin: germline.
Comment: In summary, the available evidence is currently insufficient to determine the role of this variant in disease. Therefore, it has been classified as a Variant of Uncertain Significance. Algorithms developed to predict the effect of missense changes on protein structure and function (SIFT, PolyPhen-2, Align-GVGD) all suggest that this variant is likely to be tolerated, but these predictions have not been confirmed by published functional studies and their clinical significance is uncertain. This variant has not been reported in the literature in individuals with RPS7-related conditions. This variant is not present in population databases (ExAC no frequency). This sequence change replaces glutamic acid with aspartic acid at codon 52 of the RPS7 protein (p.Glu52Asp). The glutamic acid residue is highly conserved and there is a small physicochemical difference between glutamic acid and aspartic acid.

NM_001011.4(RPS7):c.156A>C (p.Glu52Asp)

Gene: RPS7 (ribosomal protein S7; plus strand). Cytogenetic location: 2p25.3.
Variant type: single nucleotide variant.
Coding change: c.156A>C on transcript NM_001011.4 (MANE Select); coding-DNA position 156, A replaced by C.
Protein change: p.Glu52Asp; replaces glutamic acid 52 with aspartic acid.
Molecular consequence: missense variant.
Genome position (GRCh38, 1-based): chr2:3,576,495, A>C. VCF-style: chr2-3576495-A-C. GRCh37 (hg19) VCF-style: chr2-3624085-A-C.
Other names: short protein forms E52D.
Identifiers: ClinVar variation 1525582 (VCV001525582.8), dbSNP rs1178926489, ClinGen allele CA345742863.